The following is an entry in ClinVar:

ClinVar aggregate classification (germline): Likely benign. Review status: criteria provided, multiple submitters, no conflicts (2 of 4 stars). 2 submissions from 2 submitters: Likely benign (2). Last evaluated 2026-06-24.

Conditions:
DNMT3A-related disorder. Also called: DNMT3A-related disorders; DNMT3A-related condition.
Inborn genetic diseases. Identifiers: MedGen C0950123, MeSH D030342.

Submissions (2):

PreventionGenetics, part of Exact Sciences
Classification: Likely benign for DNMT3A-related condition. Last evaluated: 2026-06-24. Review status: criteria provided, single submitter. Criteria: ACMG Guidelines, 2015. Collection method: clinical testing. Allele origin: germline.
Comment: This variant is classified as likely benign based on ACMG/AMP sequence variant interpretation guidelines (Richards et al. 2015 PMID: 25741868, with internal and published modifications).

Ambry Genetics
Classification: Likely benign for Inborn genetic diseases. Last evaluated: 2026-05-14. Review status: criteria provided, single submitter. Criteria: Ambry Variant Classification Scheme 2023. Collection method: clinical testing. Allele origin: germline.

NM_022552.5(DNMT3A):c.1407G>A (p.Glu469=)

Gene: DNMT3A (DNA methyltransferase 3 alpha; minus strand). Cytogenetic location: 2p23.3.
Variant type: single nucleotide variant.
Coding change: c.1407G>A on transcript NM_022552.5 (MANE Select); coding-DNA position 1407, G replaced by A.
Protein change: p.Glu469=; no amino-acid change (glutamic acid 469 retained).
Molecular consequence: synonymous variant. On other transcripts: non-coding transcript variant (1).
Genome position (GRCh38, 1-based): chr2:25,246,182, C>T on the plus strand (G>A on the coding strand, the complement: DNMT3A is on the minus strand). VCF-style: chr2-25246182-C-T. GRCh37 (hg19) VCF-style: chr2-25469051-C-T.
Other names: c.1407G>A, p.Glu469= (NM_175629.2); c.951G>A, p.Glu317= (NM_001320893.1); c.738G>A, p.Glu246= (NM_001375819.1); c.840G>A, p.Glu280= (NM_153759.3).
Identifiers: ClinVar variation 4870028 (VCV004870028.2).